The following is an entry in ClinVar:

NM_024426.6(WT1):c.56C>G (p.Ser19Cys)

Genes: WT1 (WT1 transcription factor; minus strand), LOC107982234 (WT1/WT1-AS bi-directional promoter region; plus strand). Cytogenetic location: 11p13.
Variant type: single nucleotide variant.
Coding change: c.56C>G on transcript NM_024426.6 (MANE Select); coding-DNA position 56, C replaced by G.
Protein change: p.Ser19Cys; replaces serine 19 with cysteine.
Molecular consequence: missense variant. On other transcripts: non-coding transcript variant (1).
Genome position (GRCh38, 1-based): chr11:32,435,305, G>C on the plus strand (C>G on the coding strand, the complement: WT1 is on the minus strand). VCF-style: chr11-32435305-G-C. GRCh37 (hg19) VCF-style: chr11-32456851-G-C.
Other names: c.56C>G, p.Ser19Cys (NM_000378.6, NM_001407044.1, NM_001407045.1 and 6 more transcripts); c.41C>G, p.Ser14Cys (NM_024425.2); short protein forms S14C, S19C.
Identifiers: ClinVar variation 1999631 (VCV001999631.4), dbSNP rs2133107623, ClinGen allele CA379966479.

ClinVar aggregate classification (germline): Uncertain significance (1 of 4 stars; one submission).

Conditions:
Drash syndrome (DDS). Also called: NEPHROPATHY, WILMS TUMOR, AND GENITAL ANOMALIES; WILMS TUMOR AND PSEUDO- OR TRUE HERMAPHRODITISM. Identifiers: Orphanet 220, MedGen C0950121, MONDO:0008682, OMIM 194080.
Frasier syndrome. Identifiers: Orphanet 347, MedGen C0950122, MeSH D052159, MONDO:0007635, OMIM 136680.
Wilms tumor 1 (WT1). Also called: Wilms tumor, somatic. Identifiers: Orphanet 654, MedGen CN033288, MONDO:0008679, OMIM 194070.
11p partial monosomy syndrome (WAGR). Also called: WAGR Complex; WAGR Spectrum Disorder; WAGR syndrome; CHROMOSOME 11p13 DELETION SYNDROME. Identifiers: Orphanet 893, MedGen C0206115, MONDO:0008681, OMIM 194072.

Submission:

Labcorp Genetics (formerly Invitae), Labcorp
Classification: Uncertain significance for Wilms tumor 1; Drash syndrome; 11p partial monosomy syndrome; Frasier syndrome. Last evaluated: 2022-05-27. Review status: criteria provided, single submitter. Criteria: Invitae Variant Classification Sherloc (09022015). Collection method: clinical testing. Allele origin: germline.
Comment: In summary, the available evidence is currently insufficient to determine the role of this variant in disease. Therefore, it has been classified as a Variant of Uncertain Significance. Algorithms developed to predict the effect of missense changes on protein structure and function are either unavailable or do not agree on the potential impact of this missense change (SIFT: "Deleterious"; PolyPhen-2: "Benign"; Align-GVGD: "Class C0"). This variant has not been reported in the literature in individuals affected with WT1-related conditions. This variant is not present in population databases (gnomAD no frequency). This sequence change replaces serine, which is neutral and polar, with cysteine, which is neutral and slightly polar, at codon 14 of the WT1 protein (p.Ser14Cys).